The following is an entry in ClinVar:

ClinVar aggregate classification (germline): Conflicting classifications of pathogenicity. Review status: criteria provided, conflicting classifications (1 of 4 stars). 2 submissions from 2 submitters: Uncertain significance (1); Likely benign (1). Last evaluated 2026-01-14.

Conditions:
Renal cell carcinoma. Identifiers: Orphanet 217071, MedGen C0007134, MeSH D002292, MONDO:0005086, HP:0005584.
Hereditary cancer-predisposing syndrome. Also called: Hereditary Cancer Syndrome; Hereditary neoplastic syndrome; Tumor predisposition; Neoplastic Syndromes, Hereditary. Identifiers: Orphanet 140162, MedGen C0027672, MeSH D009386, MONDO:0015356.

Allele frequency attached by ClinVar (database versions not stated): ExAC 0.00001; gnomAD exomes 0.00001.
gnomAD v4.1: 9 of 1,614,098 alleles (0.00056%); highest among the groups gnomAD compares: South Asian, 0.0055%; no homozygotes.

Submissions (2):

Labcorp Genetics (formerly Invitae), Labcorp
Classification: Likely benign for Renal cell carcinoma. Last evaluated: 2026-01-14. Review status: criteria provided, single submitter. Criteria: Invitae Variant Classification Sherloc (09022015). Collection method: clinical testing. Allele origin: germline.

Ambry Genetics
Classification: Uncertain significance for Hereditary cancer-predisposing syndrome. Last evaluated: 2025-05-13. Review status: criteria provided, single submitter. Criteria: Ambry Variant Classification Scheme 2023. Collection method: clinical testing. Allele origin: germline.
Comment: The c.2475A>G variant (also known as p.Q825Q), located in coding exon 10 of the MET gene, results from an A to G substitution at nucleotide position 2475. This nucleotide substitution does not change the amino acid at codon 825. This nucleotide position is highly conserved in available vertebrate species. In silico splice site analysis predicts that this alteration will result in the creation or strengthening of a novel splice acceptor site. Based on the available evidence, the clinical significance of this variant remains unclear.

NM_000245.4(MET):c.2421A>G (p.Gln807=)

Gene: MET (MET proto-oncogene, receptor tyrosine kinase; plus strand). Cytogenetic location: 7q31.2.
Variant type: single nucleotide variant.
Coding change: c.2421A>G on transcript NM_000245.4 (MANE Select); coding-DNA position 2421, A replaced by G.
Protein change: p.Gln807=; no amino-acid change (glutamine 807 retained).
Molecular consequence: synonymous variant.
Genome position (GRCh38, 1-based): chr7:116,763,106, A>G. VCF-style: chr7-116763106-A-G. GRCh37 (hg19) VCF-style: chr7-116403160-A-G.
Other names: c.2475A>G, p.Gln825= (NM_001127500.3); c.2421A>G, p.Gln807= (NM_001324401.3); c.1131A>G, p.Gln377= (NM_001324402.2).
Identifiers: ClinVar variation 1791827 (VCV001791827.4), dbSNP rs752535640, ClinGen allele CA4448486.